The following is an entry in ClinVar:

NM_004360.5(CDH1):c.211C>T (p.Leu71Phe)

Gene: CDH1 (cadherin 1; plus strand). Cytogenetic location: 16q22.1.
Variant type: single nucleotide variant.
Coding change: c.211C>T on transcript NM_004360.5 (MANE Select); coding-DNA position 211, C replaced by T.
Protein change: p.Leu71Phe; replaces leucine 71 with phenylalanine.
Molecular consequence: missense variant. On other transcripts: 5 prime UTR variant (2).
Genome position (GRCh38, 1-based): chr16:68,801,717, C>T. VCF-style: chr16-68801717-C-T. GRCh37 (hg19) VCF-style: chr16-68835620-C-T.
Other names: c.211C>T (NM_004360.3); c.211C>T, p.Leu71Phe (NM_001317184.2); c.-1405C>T (NM_001317185.2); c.-1609C>T (NM_001317186.2); short protein forms L71F.
Identifiers: ClinVar variation 1002846 (VCV001002846.10), dbSNP rs1555514408, ClinGen allele CA396457171.

ClinVar aggregate classification (germline): Conflicting classifications of pathogenicity. Review status: criteria provided, conflicting classifications (1 of 4 stars). 2 submissions from 2 submitters: Uncertain significance (1); Likely benign (1). Last evaluated 2025-03-13.

Conditions:
Hereditary cancer-predisposing syndrome. Also called: Hereditary neoplastic syndrome; Neoplastic Syndromes, Hereditary; Tumor predisposition; Hereditary Cancer Syndrome. Identifiers: Orphanet 140162, MedGen C0027672, MeSH D009386, MONDO:0015356.
Hereditary diffuse gastric adenocarcinoma (HDGC). Also called: DIFFUSE GASTRIC AND LOBULAR BREAST CANCER SYNDROME. Identifiers: Orphanet 26106, MedGen C1708349, MONDO:0007648, OMIM 137215.

Submissions (2):

Ambry Genetics
Classification: Likely benign for Hereditary cancer-predisposing syndrome. Last evaluated: 2025-03-13. Review status: criteria provided, single submitter. Criteria: Ambry Variant Classification Scheme 2023. Collection method: clinical testing. Allele origin: germline.

Labcorp Genetics (formerly Invitae), Labcorp
Classification: Uncertain significance for Hereditary diffuse gastric adenocarcinoma. Last evaluated: 2020-09-24. Review status: criteria provided, single submitter. Criteria: Invitae Variant Classification Sherloc (09022015). Collection method: clinical testing. Allele origin: germline.
Comment: In summary, the available evidence is currently insufficient to determine the role of this variant in disease. Therefore, it has been classified as a Variant of Uncertain Significance. Algorithms developed to predict the effect of missense changes on protein structure and function are either unavailable or do not agree on the potential impact of this missense change (SIFT: "Deleterious"; PolyPhen-2: "Benign"; Align-GVGD: "Class C0"). This variant has not been reported in the literature in individuals with CDH1-related conditions. This variant is not present in population databases (ExAC no frequency). This sequence change replaces leucine with phenylalanine at codon 71 of the CDH1 protein (p.Leu71Phe). The leucine residue is weakly conserved and there is a small physicochemical difference between leucine and phenylalanine.